The following is an entry in ClinVar:

ClinVar aggregate classification (germline): Likely benign. Review status: criteria provided, single submitter (1 of 4 stars). 2 submissions from 2 submitters: Likely benign (1). 1 of the submissions does not count toward it. Last evaluated 2025-02-23.

Conditions:
OTOG-related disorder. Also called: OTOG-related condition.

Allele frequency attached by ClinVar (database versions not stated): gnomAD exomes 0.00002; gnomAD 0.00003.
gnomAD v4.1: 37 of 1,550,650 alleles (0.0024%); highest among the groups gnomAD compares: South Asian, 0.0083%; 1 homozygote.

Submissions (2):

Labcorp Genetics (formerly Invitae), Labcorp
Classification: Likely benign. Last evaluated: 2025-02-23. Review status: criteria provided, single submitter. Criteria: Invitae Variant Classification Sherloc (09022015). Collection method: clinical testing. Allele origin: germline.

PreventionGenetics, part of Exact Sciences
Classification: Likely benign for OTOG-related condition. Last evaluated: 2022-09-08. Review status: no assertion criteria provided. Collection method: clinical testing. Allele origin: germline. Not counted in ClinVar's aggregate classification.
Comment: This variant is classified as likely benign based on ACMG/AMP sequence variant interpretation guidelines (Richards et al. 2015 PMID: 25741868, with internal and published modifications).

NM_001292063.2(OTOG):c.3612C>T (p.Ser1204=)

Gene: OTOG (otogelin; plus strand). Cytogenetic location: 11p15.1.
Variant type: single nucleotide variant.
Coding change: c.3612C>T on transcript NM_001292063.2 (MANE Select); coding-DNA position 3612, C replaced by T.
Protein change: p.Ser1204=; no amino-acid change (serine 1204 retained).
Molecular consequence: synonymous variant.
Genome position (GRCh38, 1-based): chr11:17,596,937, C>T. VCF-style: chr11-17596937-C-T. GRCh37 (hg19) VCF-style: chr11-17618484-C-T.
Other names: c.3648C>T, p.Ser1216= (NM_001277269.2).
Identifiers: ClinVar variation 3052223 (VCV003052223.3), dbSNP rs1032670211, ClinGen allele CA218462155.